The following is an entry in ClinVar:

ClinVar aggregate classification (germline): Likely pathogenic (1 of 4 stars; one submission).

Conditions:
Leukocyte adhesion deficiency 1 (LAD1). Also called: LEUKOCYTE ADHESION DEFICIENCY, TYPE I; LAD 1; Lymphocyte function-associated antigen 1 immunodeficiency; LFA 1 immunodeficiency. Identifiers: Orphanet 2968, Orphanet 99842, MedGen C0398738, MONDO:0007293, OMIM 116920.

Submission:

Clinical Genetics Laboratory, Skane University Hospital Lund
Classification: Likely pathogenic for Leukocyte adhesion deficiency 1. Last evaluated: 2026-09-14. Review status: criteria provided, single submitter. Criteria: ACMG Guidelines, 2015. Collection method: clinical testing. Allele origin: germline. Inheritance: Autosomal recessive inheritance. Affected: yes.
Comment: Homozygous variant detected. ACMG criteria used: PM1, PM2, PM3_Supporting, PM4, PP4.

NM_000211.5(ITGB2):c.1045del (p.Ser349fs)

Gene: ITGB2 (integrin subunit beta 2; minus strand). Cytogenetic location: 21q22.3.
Variant type: Deletion.
Coding change: c.1045del on transcript NM_000211.5 (MANE Select); coding-DNA position 1045, one base deleted (T; older notation c.1045delT).
Protein change: p.Ser349fs; shifts the reading frame from serine 349.
Molecular consequence: frameshift variant.
Genome position (GRCh38, 1-based): chr21:44,895,009, A deleted on the plus strand (T on the coding strand, the reverse complement: ITGB2 is on the minus strand). VCF-style (leftmost placement, unchanged base first): chr21-44895008-GA-G. GRCh37 (hg19) VCF-style: chr21-46314923-GA-G.
Other names: c.1045del, p.Ser349fs (NM_001127491.3); c.838del, p.Ser280fs (NM_001303238.2); short protein forms S280fs, S349fs.
Identifiers: ClinVar variation 4890860 (VCV004890860.1).
Genomic context (GRCh38, chr21:44,895,008, plus strand): 5'-GCTGAGTGGTGCGGGAGACTCACATTGTAAGCATTCTTAATGAGATGGACCACATTGCTG[GA>G]GTCCTCAGACAGCTCCCCCACGGCTGACTTGGGGATGATCTCGGTGAGTTTCTGTTGGGC-3'